The following is an entry in ClinVar:

NM_014806.5(RUSC2):c.2266C>G (p.Arg756Gly)

Gene: RUSC2 (RUN and SH3 domain containing 2; plus strand). Cytogenetic location: 9p13.3.
Variant type: single nucleotide variant.
Coding change: c.2266C>G on transcript NM_014806.5 (MANE Select); coding-DNA position 2266, C replaced by G.
Protein change: p.Arg756Gly; replaces arginine 756 with glycine.
Molecular consequence: missense variant. On other transcripts: 5 prime UTR variant (1), non-coding transcript variant (1).
Genome position (GRCh38, 1-based): chr9:35,555,311, C>G. VCF-style: chr9-35555311-C-G. GRCh37 (hg19) VCF-style: chr9-35555308-C-G.
Other names: c.2266C>G, p.Arg756Gly (NM_001135999.2); c.-369C>G (NM_001330740.2); c.2266C>G (NM_001135999.1); short protein forms R756G.
Identifiers: ClinVar variation 1513787 (VCV001513787.7), dbSNP rs775596143, ClinGen allele CA5043835.
Genomic context (GRCh38, chr9:35,555,311, plus strand): 5'-GCCCCTGCTGCTCAAGTCTCAGTCCCAGCTCCCTCAGGGGAACCGCAGGCATCCACTCCC[C>G]GAGCCACTGGCAGAGGTGCCAGGAAAGCTGGGTCTGAGCCAGAGACCTCTCGGCCATCGC-3'
Protein context (NP_055621.2, residues 746-766): PSGEPQASTP[Arg756Gly]ATGRGARKAG

ClinVar aggregate classification (germline): Uncertain significance. Review status: criteria provided, multiple submitters, no conflicts (2 of 4 stars). 2 submissions from 2 submitters: Uncertain significance (2). Last evaluated 2025-08-08.

Allele frequency attached by ClinVar (database versions not stated): ExAC 0.00005; TOPMed 0.00005; gnomAD 0.00007 and 0.00008; gnomAD exomes 0.00014.
gnomAD v4.1: 219 of 1,613,150 alleles (0.014%); highest among the groups gnomAD compares: Non-Finnish European, 0.016%; 1 homozygote.

Submissions (2):

Ambry Genetics
Classification: Uncertain significance. Last evaluated: 2025-08-08. Review status: criteria provided, single submitter. Criteria: Ambry Variant Classification Scheme 2023. Collection method: clinical testing. Allele origin: germline.

Labcorp Genetics (formerly Invitae), Labcorp
Classification: Uncertain significance. Last evaluated: 2024-09-10. Review status: criteria provided, single submitter. Criteria: Invitae Variant Classification Sherloc (09022015). Collection method: clinical testing. Allele origin: germline.
Comment: This sequence change replaces arginine, which is basic and polar, with glycine, which is neutral and non-polar, at codon 756 of the RUSC2 protein (p.Arg756Gly). The frequency data for this variant in the population databases is considered unreliable, as metrics indicate poor data quality at this position in the gnomAD database. This variant has not been reported in the literature in individuals affected with RUSC2-related conditions. ClinVar contains an entry for this variant (Variation ID: 1513787). An algorithm developed to predict the effect of missense changes on protein structure and function (PolyPhen-2) suggests that this variant is likely to be tolerated. In summary, the available evidence is currently insufficient to determine the role of this variant in disease. Therefore, it has been classified as a Variant of Uncertain Significance.